The following is an entry in ClinVar:

NM_001283009.2(RTEL1):c.3251C>T (p.Thr1084Ile)

Genes: RTEL1 (regulator of telomere elongation helicase 1; plus strand), RTEL1-TNFRSF6B (RTEL1-TNFRSF6B readthrough (NMD candidate); plus strand). Cytogenetic location: 20q13.33.
Variant type: single nucleotide variant.
Coding change: c.3251C>T on transcript NM_001283009.2 (MANE Select); coding-DNA position 3251, C replaced by T.
Protein change: p.Thr1084Ile; replaces threonine 1084 with isoleucine.
Molecular consequence: missense variant. On other transcripts: non-coding transcript variant (1).
Genome position (GRCh38, 1-based): chr20:63,694,882, C>T. VCF-style: chr20-63694882-C-T. GRCh37 (hg19) VCF-style: chr20-62326235-C-T.
Other names: c.2582C>T, p.Thr861Ile (NM_001283010.1); c.3251C>T, p.Thr1084Ile (NM_016434.4); c.3323C>T, p.Thr1108Ile (NM_032957.5); short protein forms T1084I, T1108I, T861I.
Identifiers: ClinVar variation 546282 (VCV000546282.14), dbSNP rs142457144, ClinGen allele CA9965923.
Genomic context (GRCh38, chr20:63,694,882, plus strand): 5'-TGGCTGATGCCCGCAGGGCCCTGGGGTCCGCGGGCTGTAGCCAACTCTTGGCAGCGCTGA[C>T]AGCCTATAAGCAAGACGACGACCTCGACAAGGTGCTGGCTGTGTTGGCCGCCCTGACCAC-3'
Protein context (NP_001269938.1, residues 1074-1094): AGCSQLLAAL[Thr1084Ile]AYKQDDDLDK

ClinVar aggregate classification (germline): Conflicting classifications of pathogenicity. Review status: criteria provided, conflicting classifications (1 of 4 stars). 7 submissions from 7 submitters: Uncertain significance (6); Likely benign (1). Last evaluated 2026-01-27.

Conditions:
Dyskeratosis congenita, autosomal recessive 5 (DKCB5). Identifiers: MedGen C3554656, MONDO:0014076, OMIM 615190.
Pulmonary fibrosis and/or bone marrow failure, Telomere-related, 3. Also called: PULMONARY FIBROSIS AND/OR BONE MARROW FAILURE SYNDROME, TELOMERE-RELATED, 3. Identifiers: Orphanet 2032, MedGen C4225346, MONDO:0014613, OMIM 616373.
Inborn genetic diseases. Identifiers: MedGen C0950123, MeSH D030342.
RTEL1-related disorder. Also called: RTEL1-related disorders; RTEL1-related condition.
Dyskeratosis congenita. Identifiers: Orphanet 1775, MedGen C0265965, MONDO:0015780.

Allele frequency attached by ClinVar (database versions not stated): gnomAD exomes 0.00003 and 0.00011; ExAC 0.00008; ESP Exome Variant Server 0.00031; 1000 Genomes Project 0.00040; 1000 Genomes Project 30x 0.00047; gnomAD 0.00049 and 0.00055; TOPMed 0.00081.
gnomAD v4.1: 132 of 1,612,680 alleles (0.0082%); highest among the groups gnomAD compares: African/African-American, 0.12%; 1 homozygote.

Submissions (7):

Labcorp Genetics (formerly Invitae), Labcorp
Classification: Uncertain significance for Dyskeratosis congenita, autosomal recessive 5; Pulmonary fibrosis and/or bone marrow failure, Telomere-related, 3. Last evaluated: 2026-01-27. Review status: criteria provided, single submitter. Criteria: Invitae Variant Classification Sherloc (09022015). Collection method: clinical testing. Allele origin: germline.
Comment: This sequence change replaces threonine, which is neutral and polar, with isoleucine, which is neutral and non-polar, at codon 1084 of the RTEL1 protein (p.Thr1084Ile). This variant is present in population databases (rs142457144, gnomAD 0.2%). This variant has not been reported in the literature in individuals affected with RTEL1-related conditions. ClinVar contains an entry for this variant (Variation ID: 546282). An algorithm developed to predict the effect of missense changes on protein structure and function (PolyPhen-2) suggests that this variant is likely to be tolerated. In summary, the available evidence is currently insufficient to determine the role of this variant in disease. Therefore, it has been classified as a Variant of Uncertain Significance.

Ambry Genetics
Classification: Uncertain significance for Inborn genetic diseases. Last evaluated: 2025-06-20. Review status: criteria provided, single submitter. Criteria: Ambry Variant Classification Scheme 2023. Collection method: clinical testing. Allele origin: germline.
Comment: The p.T1108I variant (also known as c.3323C>T), located in coding exon 31 of the RTEL1 gene, results from a C to T substitution at nucleotide position 3323. The threonine at codon 1108 is replaced by isoleucine, an amino acid with similar properties. This amino acid position is conserved. In addition, this alteration is predicted to be tolerated by in silico analysis. Based on the available evidence, the clinical significance of this variant remains unclear.

PreventionGenetics, part of Exact Sciences
Classification: Likely benign for RTEL1-related condition. Last evaluated: 2025-03-15. Review status: criteria provided, single submitter. Criteria: ACMG Guidelines, 2015. Collection method: clinical testing. Allele origin: germline.
Comment: This variant is classified as likely benign based on ACMG/AMP sequence variant interpretation guidelines (Richards et al. 2015 PMID: 25741868, with internal and published modifications).

Fulgent Genetics
Classification: Uncertain significance for Dyskeratosis congenita, autosomal recessive 5; Pulmonary fibrosis and/or bone marrow failure, Telomere-related, 3. Last evaluated: 2024-04-16. Review status: criteria provided, single submitter. Criteria: ACMG Guidelines, 2015. Collection method: clinical testing. Allele origin: germline.

Sema4
Classification: Uncertain significance for Dyskeratosis congenita. Last evaluated: 2021-11-19. Review status: criteria provided, single submitter. Criteria: Sema4 Curation Guidelines. Collection method: curation. Allele origin: germline.
Comment: The RTEL1 c.3251C>T (p.T1084I) variant has not been reported in the literature to our knowledge. It was observed in 38/24732 chromosomes of the African/African American (AFR) subpopulation, with no homozygotes, in the large and broad cohorts of the Genome Aggregation Database (PMID: 32461654). The variant has been reported in ClinVar (Variation ID 546282). Functional studies have not been performed, and in silico predictions of the variant's effect on protein function are inconclusive. The evidence is insufficient to meet ACMG/AMP criteria for classifying the variant as benign or pathogenic. Thus, the clinical significance of this variant is currently uncertain.

GeneDx
Classification: Uncertain significance. Last evaluated: 2021-03-02. Review status: criteria provided, single submitter. Criteria: GeneDx Variant Classification Process June 2021. Collection method: clinical testing. Allele origin: germline. Affected: yes.
Comment: Has not been previously published as pathogenic or benign to our knowledge; In-silico analysis, which includes splice predictors and evolutionary conservation, is inconclusive as to whether the variant alters gene splicing. In the absence of RNA/functional studies, the actual effect of this sequence change is unknown.; In silico analysis supports that this missense variant does not alter protein structure/function

Breakthrough Genomics
Classification: Uncertain significance. Review status: criteria provided, single submitter. Criteria: ACMG Guidelines, 2015. Collection method: not provided. Allele origin: germline. Inheritance: Autosomal dominant inheritance. Affected: yes.